The following is an entry in ClinVar:

ClinVar aggregate classification (germline): Uncertain significance (1 of 4 stars; one submission).

gnomAD v4.1: 1 of 1,604,232 alleles (0.000062%); highest among the groups gnomAD compares: Non-Finnish European, 0.000085%; no homozygotes.

Submission:

Ambry Genetics
Classification: Uncertain significance. Last evaluated: 2022-07-10. Review status: criteria provided, single submitter. Criteria: Ambry Variant Classification Scheme 2023. Collection method: clinical testing. Allele origin: germline.
Comment: The p.D96V variant (also known as c.287A>T), located in coding exon 3 of the BUB3 gene, results from an A to T substitution at nucleotide position 287. The aspartic acid at codon 96 is replaced by valine, an amino acid with highly dissimilar properties. This amino acid position is conserved. In addition, this alteration is predicted to be deleterious by in silico analysis. Since supporting evidence is limited at this time, the clinical significance of this alteration remains unclear.

NM_004725.4(BUB3):c.287A>T (p.Asp96Val)

Gene: BUB3 (BUB3 mitotic checkpoint protein; plus strand). Cytogenetic location: 10q26.13.
Variant type: single nucleotide variant.
Coding change: c.287A>T on transcript NM_004725.4 (MANE Select); coding-DNA position 287, A replaced by T.
Protein change: p.Asp96Val; replaces aspartic acid 96 with valine.
Molecular consequence: missense variant.
Genome position (GRCh38, 1-based): chr10:123,157,750, A>T. VCF-style: chr10-123157750-A-T. GRCh37 (hg19) VCF-style: chr10-124917266-A-T.
Other names: c.287A>T, p.Asp96Val (NM_001007793.3); short protein forms D96V.
Identifiers: ClinVar variation 1797149 (VCV001797149.2), dbSNP rs2493759791, ClinGen allele CA378625374.